The following is an entry in ClinVar:

ClinVar aggregate classification (germline): Pathogenic (1 of 4 stars; one submission).

Allele frequency attached by ClinVar (database versions not stated): ExAC 0.00001; gnomAD exomes 0.00001.
gnomAD v4.1: 15 of 1,613,750 alleles (0.00093%); highest among the groups gnomAD compares: South Asian, 0.0022%; no homozygotes.

Submission:

Labcorp Genetics (formerly Invitae), Labcorp
Classification: Pathogenic. Last evaluated: 2024-06-05. Review status: criteria provided, single submitter. Criteria: Invitae Variant Classification Sherloc (09022015). Collection method: clinical testing. Allele origin: germline.
Comment: This sequence change creates a premature translational stop signal (p.Arg313*) in the RGS9 gene. It is expected to result in an absent or disrupted protein product. Loss-of-function variants in RGS9 are known to be pathogenic (PMID: 11262419, 14702087). This variant is present in population databases (rs777243892, gnomAD 0.003%). This variant has not been reported in the literature in individuals affected with RGS9-related conditions. ClinVar contains an entry for this variant (Variation ID: 949915). For these reasons, this variant has been classified as Pathogenic.

Literature cited by the submitters: PubMed 11262419; PubMed 14702087.

NM_003835.4(RGS9):c.937C>T (p.Arg313Ter)

Gene: RGS9 (regulator of G protein signaling 9; plus strand). Cytogenetic location: 17q24.1.
Variant type: single nucleotide variant.
Coding change: c.937C>T on transcript NM_003835.4 (MANE Select); coding-DNA position 937, C replaced by T.
Protein change: p.Arg313Ter; replaces arginine 313 with a stop codon.
Molecular consequence: nonsense.
Genome position (GRCh38, 1-based): chr17:65,197,202, C>T. VCF-style: chr17-65197202-C-T. GRCh37 (hg19) VCF-style: chr17-63193320-C-T.
Other names: c.928C>T, p.Arg310Ter (NM_001081955.3, NM_001165933.2); short protein forms R310*, R313*.
Identifiers: ClinVar variation 949915 (VCV000949915.7), dbSNP rs777243892, ClinGen allele CA8717877.